The following is an entry in ClinVar:

NM_014975.3(MAST1):c.1107G>A (p.Pro369=)

Gene: MAST1 (microtubule associated serine/threonine kinase 1; plus strand). Cytogenetic location: 19p13.13.
Variant type: single nucleotide variant.
Coding change: c.1107G>A on transcript NM_014975.3 (MANE Select); coding-DNA position 1107, G replaced by A.
Protein change: p.Pro369=; no amino-acid change (proline 369 retained).
Molecular consequence: synonymous variant.
Genome position (GRCh38, 1-based): chr19:12,858,391, G>A. VCF-style: chr19-12858391-G-A. GRCh37 (hg19) VCF-style: chr19-12969205-G-A.
Identifiers: ClinVar variation 3049564 (VCV003049564.2), dbSNP rs139913414, ClinGen allele CA9232817.

ClinVar aggregate classification (germline): Likely benign (0 of 4 stars; one submission).

Conditions:
MAST1-related disorder. Also called: MAST1-related condition.

Allele frequency attached by ClinVar (database versions not stated): gnomAD 0.00005; TOPMed 0.00005; ESP Exome Variant Server 0.00015; ExAC 0.00016.
gnomAD v4.1: 63 of 1,613,846 alleles (0.0039%); highest among the groups gnomAD compares: Non-Finnish European, 0.0045%; no homozygotes.

Submission:

PreventionGenetics, part of Exact Sciences
Classification: Likely benign for MAST1-related condition. Last evaluated: 2019-07-19. Review status: no assertion criteria provided. Collection method: clinical testing. Allele origin: germline.
Comment: This variant is classified as likely benign based on ACMG/AMP sequence variant interpretation guidelines (Richards et al. 2015 PMID: 25741868, with internal and published modifications).